The following is an entry in ClinVar:

NM_000038.6(APC):c.1409-1847T>A

Gene: APC (APC regulator of WNT signaling pathway; plus strand). Cytogenetic location: 5q22.2.
Variant type: single nucleotide variant.
Coding change: c.1409-1847T>A on transcript NM_000038.6 (MANE Select); 1847 bases into the intron before coding-DNA position 1409, T replaced by A.
Molecular consequence: intron variant.
Genome position (GRCh38, 1-based): chr5:112,825,261, T>A. VCF-style: chr5-112825261-T-A. GRCh37 (hg19) VCF-style: chr5-112160958-T-A.
Other names: c.1409-1847T>A (NM_001354895.2, NM_001127510.3); c.1439-1847T>A (NM_001354897.2); c.1136-1847T>A (NM_001354902.2); c.1355-1847T>A (NM_001127511.3); c.1334-1847T>A (NM_001354898.2); c.1031-1847T>A (NM_001354904.2); c.560-1847T>A (NM_001354906.2); c.1463-1847T>A (NM_001354896.2); and 5 more.
Identifiers: ClinVar variation 83151 (VCV000083151.2), dbSNP rs76295624, ClinGen allele CA005002.
Genomic context (GRCh38, chr5:112,825,261, plus strand): 5'-CTACTTAAAAGTATCTTATGTCATCACTCTTCTCTTCATCCCCAGTCCAAGCCACCATCG[T>A]CTCTCCTGTTCTACAATACTTTGTCTTACTTCTCTTCCCATTTCCACTCATAGTCGATTT-3'

ClinVar aggregate classification (germline): other (0 of 4 stars; one submission).

Conditions:
Familial colorectal cancer. Identifiers: MedGen CN280943, MONDO:0023113. Disease mechanism: loss of function.

Submission:

Systems Biology Platform Zhejiang California International NanoSystems Institute
Classification: other for Familial colorectal cancer. Review status: no assertion criteria provided. Collection method: not provided. Allele origin: unknown.
ClinVar note: Converted during submission from cancer to other.